The following is an entry in ClinVar:

ClinVar aggregate classification (germline): Likely benign (0 of 4 stars; one submission).

Conditions:
PLXNA4-related disorder. Also called: PLXNA4-related condition.

gnomAD v4.1: 4 of 1,614,026 alleles (0.00025%); highest among the groups gnomAD compares: Non-Finnish European, 0.00034%; no homozygotes.

Submission:

PreventionGenetics, part of Exact Sciences
Classification: Likely benign for PLXNA4-related condition. Last evaluated: 2021-10-15. Review status: no assertion criteria provided. Collection method: clinical testing. Allele origin: germline.
Comment: This variant is classified as likely benign based on ACMG/AMP sequence variant interpretation guidelines (Richards et al. 2015 PMID: 25741868, with internal and published modifications).

NM_020911.2(PLXNA4):c.4716C>G (p.Thr1572=)

Gene: PLXNA4 (plexin A4; minus strand). Cytogenetic location: 7q32.3.
Variant type: single nucleotide variant.
Coding change: c.4716C>G on transcript NM_020911.2 (MANE Select); coding-DNA position 4716, C replaced by G.
Protein change: p.Thr1572=; no amino-acid change (threonine 1572 retained).
Molecular consequence: synonymous variant.
Genome position (GRCh38, 1-based): chr7:132,148,591, G>C on the plus strand (C>G on the coding strand, the complement: PLXNA4 is on the minus strand). VCF-style: chr7-132148591-G-C. GRCh37 (hg19) VCF-style: chr7-131833350-G-C.
Other names: c.4716C>G, p.Thr1572= (NM_001393897.1).
Identifiers: ClinVar variation 3355487 (VCV003355487.1).